The following is an entry in ClinVar:

NM_001394062.1(MACF1):c.12930dup (p.Lys4311Ter)

Gene: MACF1 (microtubule actin crosslinking factor 1; plus strand). Cytogenetic location: 1p34.3.
Variant type: Duplication.
Coding change: c.12930dup on transcript NM_001394062.1 (MANE Select); coding-DNA position 12930, one base duplicated (T; older notation c.12930dupT).
Protein change: p.Lys4311Ter; replaces lysine 4311 with a stop codon.
Molecular consequence: nonsense.
Genome position (GRCh38, 1-based): chr1:39,368,306, T duplicated; the last of 2 consecutive T bases (chr1:39,368,305-39,368,306); duplicating either gives the same sequence. VCF-style (leftmost placement, unchanged base first): chr1-39368304-G-GT. GRCh37 (hg19) VCF-style: chr1-39833976-G-GT.
Other names: c.6744dup, p.Lys2249Ter (NM_012090.5); short protein forms K2249*, K4311*.
Identifiers: ClinVar variation 4874882 (VCV004874882.2).
Genomic context (GRCh38, chr1:39,368,304, plus strand): 5'-TGCCAGCATCAGGACAGGGTACAGAATCTAAGAAAAGACTTCACAGAGCTACAGAAGACA[G>GT]TTAAAGAGAGGTGAGTTATCACTTGTGTTGGTCAGCATTGGGGAACTATTTTTTCTTGTT-3'

ClinVar aggregate classification (germline): Uncertain significance (1 of 4 stars; one submission).

Submission:

CeGaT Center for Human Genetics Tuebingen
Classification: Uncertain significance. Last evaluated: 2026-05-01. Review status: criteria provided, single submitter. Criteria: CeGaT Center For Human Genetics Tuebingen Variant Classification Criteria Version 2. Collection method: clinical testing. Allele origin: germline. Affected: yes. Observed: 1 variant allele.
Comment: MACF1: PM2